The following is an entry in ClinVar:

NM_005334.3(HCFC1):c.5423A>G (p.Lys1808Arg)

Gene: HCFC1 (host cell factor C1; minus strand). Cytogenetic location: Xq28.
Variant type: single nucleotide variant.
Coding change: c.5423A>G on transcript NM_005334.3 (MANE Select); coding-DNA position 5423, A replaced by G.
Protein change: p.Lys1808Arg; replaces lysine 1808 with arginine.
Molecular consequence: missense variant.
Genome position (GRCh38, 1-based): chrX:153,951,444, T>C on the plus strand (A>G on the coding strand, the complement: HCFC1 is on the minus strand). VCF-style: chrX-153951444-T-C. GRCh37 (hg19) VCF-style: chrX-153216895-T-C.
Other names: short protein forms K1808R.
Identifiers: ClinVar variation 972459 (VCV000972459.13), dbSNP rs1342469676, ClinGen allele CA415104415.

ClinVar aggregate classification (germline): Conflicting classifications of pathogenicity. Review status: criteria provided, conflicting classifications (1 of 4 stars). 2 submissions from 2 submitters: Uncertain significance (1); Likely benign (1). Last evaluated 2026-01-12.

Conditions:
Methylmalonic acidemia with homocystinuria, type cblX (MAHCX). Also called: INTELLECTUAL DEVELOPMENTAL DISORDER, X-LINKED 3. Identifiers: Orphanet 369962, MedGen C0796208, MONDO:0010657, OMIM 309541.

Allele frequency attached by ClinVar (database versions not stated): gnomAD exomes below 0.00001 and 0.00001; gnomAD 0.00004; TOPMed 0.00004.

Submissions (2):

Labcorp Genetics (formerly Invitae), Labcorp
Classification: Likely benign for Methylmalonic acidemia with homocystinuria, type cblX. Last evaluated: 2026-01-12. Review status: criteria provided, single submitter. Criteria: Invitae Variant Classification Sherloc (09022015). Collection method: clinical testing. Allele origin: germline.

Greenwood Genetic Center Diagnostic Laboratories, Greenwood Genetic Center
Classification: Uncertain significance. Last evaluated: 2021-04-22. Review status: criteria provided, single submitter. Criteria: ACMG Guidelines, 2015. Collection method: clinical testing. Allele origin: germline. Affected: yes.
Comment: PM2